The following is an entry in ClinVar:

ClinVar aggregate classification (germline): Uncertain significance (1 of 4 stars; one submission).

Allele frequency attached by ClinVar (database versions not stated): TOPMed below 0.00001.
gnomAD v4.1: 3 of 1,613,982 alleles (0.00019%); highest among the groups gnomAD compares: East Asian, 0.0022%; no homozygotes.

Submission:

Labcorp Genetics (formerly Invitae), Labcorp
Classification: Uncertain significance. Last evaluated: 2022-01-15. Review status: criteria provided, single submitter. Criteria: Invitae Variant Classification Sherloc (09022015). Collection method: clinical testing. Allele origin: germline.
Comment: This sequence change replaces aspartic acid, which is acidic and polar, with glycine, which is neutral and non-polar, at codon 264 of the ELP1 protein (p.Asp264Gly). This variant is not present in population databases (gnomAD no frequency). This variant has not been reported in the literature in individuals affected with ELP1-related conditions. Algorithms developed to predict the effect of missense changes on protein structure and function are either unavailable or do not agree on the potential impact of this missense change (SIFT: "Tolerated"; PolyPhen-2: "Possibly Damaging"; Align-GVGD: "Class C0"). Algorithms developed to predict the effect of sequence changes on RNA splicing suggest that this variant may create or strengthen a splice site. In summary, the available evidence is currently insufficient to determine the role of this variant in disease. Therefore, it has been classified as a Variant of Uncertain Significance.

NM_003640.5(ELP1):c.791A>G (p.Asp264Gly)

Gene: ELP1 (elongator acetyltransferase complex subunit 1; minus strand). Cytogenetic location: 9q31.3.
Variant type: single nucleotide variant.
Coding change: c.791A>G on transcript NM_003640.5 (MANE Select); coding-DNA position 791, A replaced by G.
Protein change: p.Asp264Gly; replaces aspartic acid 264 with glycine.
Molecular consequence: missense variant. On other transcripts: 5 prime UTR variant (1).
Genome position (GRCh38, 1-based): chr9:108,917,620, T>C on the plus strand (A>G on the coding strand, the complement: ELP1 is on the minus strand). VCF-style: chr9-108917620-T-C. GRCh37 (hg19) VCF-style: chr9-111679900-T-C.
Other names: c.449A>G, p.Asp150Gly (NM_001318360.2); c.-257A>G (NM_001330749.2); short protein forms D264G, D150G.
Identifiers: ClinVar variation 2167348 (VCV002167348.1), dbSNP rs1278541052, ClinGen allele CA374386350.
Genomic context (GRCh38, chr9:108,917,620, plus strand): 5'-TTAAGGAAGGGAAGTGTAAAGTGTCCATGAAGGAGTCCATTTTTCTCAAAAAACACAATA[T>C]CCTGCTGGTTGGGTTTATCTTGTGTAGATGCAATCAAACTGCCTGAGGGTCTTAAAGCAA-3'
Protein context (NP_003631.2, residues 254-274): ASTQDKPNQQ[Asp264Gly]IVFFEKNGLL